The following is an entry in ClinVar:

NM_001378778.1(MPDZ):c.18C>G (p.Asp6Glu)

Gene: MPDZ (multiple PDZ domain crumbs cell polarity complex component; minus strand). Cytogenetic location: 9p23.
Variant type: single nucleotide variant.
Coding change: c.18C>G on transcript NM_001378778.1 (MANE Select); coding-DNA position 18, C replaced by G.
Protein change: p.Asp6Glu; replaces aspartic acid 6 with glutamic acid.
Molecular consequence: missense variant.
Genome position (GRCh38, 1-based): chr9:13,247,800, G>C on the plus strand (C>G on the coding strand, the complement: MPDZ is on the minus strand). VCF-style: chr9-13247800-G-C. GRCh37 (hg19) VCF-style: chr9-13247799-G-C.
Other names: c.18C>G, p.Asp6Glu (NM_001261406.2, NM_001261407.2, NM_001330637.2 and 14 more transcripts); c.18C>G (NM_003829.3); short protein forms D6E.
Identifiers: ClinVar variation 1303332 (VCV001303332.8), dbSNP rs199713680, ClinGen allele CA4988267.

ClinVar aggregate classification (germline): Uncertain significance. Review status: criteria provided, multiple submitters, no conflicts (2 of 4 stars). 3 submissions from 3 submitters: Uncertain significance (3). Last evaluated 2024-10-23.

Conditions:
Inborn genetic diseases. Identifiers: MedGen C0950123, MeSH D030342.

Allele frequency attached by ClinVar (database versions not stated): gnomAD 0.00006 and 0.00007.
gnomAD v4.1: 105 of 1,599,654 alleles (0.0066%); highest among the groups gnomAD compares: Non-Finnish European, 0.0082%; no homozygotes.

Submissions (3):

Labcorp Genetics (formerly Invitae), Labcorp
Classification: Uncertain significance. Last evaluated: 2024-10-23. Review status: criteria provided, single submitter. Criteria: Invitae Variant Classification Sherloc (09022015). Collection method: clinical testing. Allele origin: germline.
Comment: This sequence change replaces aspartic acid, which is acidic and polar, with glutamic acid, which is acidic and polar, at codon 6 of the MPDZ protein (p.Asp6Glu). This variant is present in population databases (rs199713680, gnomAD 0.02%). This variant has not been reported in the literature in individuals affected with MPDZ-related conditions. ClinVar contains an entry for this variant (Variation ID: 1303332). An algorithm developed to predict the effect of missense changes on protein structure and function (PolyPhen-2) suggests that this variant¬†is likely to be tolerated. In summary, the available evidence is currently insufficient to determine the role of this variant in disease. Therefore, it has been classified as a Variant of Uncertain Significance.

Ambry Genetics
Classification: Uncertain significance for Inborn genetic diseases. Last evaluated: 2024-03-12. Review status: criteria provided, single submitter. Criteria: Ambry Variant Classification Scheme 2023. Collection method: clinical testing. Allele origin: germline.

GeneDx
Classification: Uncertain significance. Last evaluated: 2019-08-13. Review status: criteria provided, single submitter. Criteria: GeneDx Variant Classification Process June 2021. Collection method: clinical testing. Allele origin: germline. Affected: yes.
Comment: In silico analysis, which includes protein predictors and evolutionary conservation, supports that this variant does not alter protein structure/function; Has not been previously published as pathogenic or benign to our knowledge